The following is an entry in ClinVar:

ClinVar aggregate classification (germline): Uncertain significance (1 of 4 stars; one submission).

Conditions:
Heterotaxy, visceral, 6, autosomal (HTX6). Also called: Heterotaxy, visceral, 6, autosomal recessive. Identifiers: Orphanet 450, MedGen C3553676, MONDO:0013887, OMIM 614779.

Allele frequency attached by ClinVar (database versions not stated): gnomAD exomes 0.00003 and 0.00005; ExAC 0.00008; 1000 Genomes Project 30x 0.00016; ESP Exome Variant Server 0.00017; 1000 Genomes Project 0.00020; TOPMed 0.00023; gnomAD 0.00024 and 0.00026.
gnomAD v4.1: 78 of 1,614,146 alleles (0.0048%); highest among the groups gnomAD compares: African/African-American, 0.063%; no homozygotes.

Submission:

Labcorp Genetics (formerly Invitae), Labcorp
Classification: Uncertain significance for Heterotaxy, visceral, 6, autosomal. Last evaluated: 2024-02-17. Review status: criteria provided, single submitter. Criteria: Invitae Variant Classification Sherloc (09022015). Collection method: clinical testing. Allele origin: germline.
Comment: This sequence change replaces arginine, which is basic and polar, with glutamine, which is neutral and polar, at codon 80 of the CFAP53 protein (p.Arg80Gln). This variant is present in population databases (rs76334647, gnomAD 0.07%). This variant has not been reported in the literature in individuals affected with CFAP53-related conditions. ClinVar contains an entry for this variant (Variation ID: 641101). Advanced modeling of protein sequence and biophysical properties (such as structural, functional, and spatial information, amino acid conservation, physicochemical variation, residue mobility, and thermodynamic stability) performed at Invitae indicates that this missense variant is not expected to disrupt CFAP53 protein function with a negative predictive value of 80%. In summary, the available evidence is currently insufficient to determine the role of this variant in disease. Therefore, it has been classified as a Variant of Uncertain Significance.

NM_145020.5(CFAP53):c.239G>A (p.Arg80Gln)

Gene: CFAP53 (cilia and flagella associated protein 53; minus strand). Cytogenetic location: 18q21.1.
Variant type: single nucleotide variant.
Coding change: c.239G>A on transcript NM_145020.5 (MANE Select); coding-DNA position 239, G replaced by A.
Protein change: p.Arg80Gln; replaces arginine 80 with glutamine.
Molecular consequence: missense variant.
Genome position (GRCh38, 1-based): chr18:50,262,050, C>T on the plus strand (G>A on the coding strand, the complement: CFAP53 is on the minus strand). VCF-style: chr18-50262050-C-T. GRCh37 (hg19) VCF-style: chr18-47788420-C-T.
Other names: short protein forms R80Q.
Identifiers: ClinVar variation 641101 (VCV000641101.3), dbSNP rs76334647, ClinGen allele CA8962476.